The following is an entry in ClinVar:

ClinVar aggregate classification (germline): Likely benign (1 of 4 stars; one submission).

Conditions:
Malignant hyperthermia, susceptibility to, 1 (MHS1). Also called: RYR1-Related Malignant Hyperthermia Susceptibility; Anesthesia related hyperthermia; Malignant hyperpyrexia; Fulminating hyperpyrexia; Pharmacogenic myopathy; Malignant hyperthermia suceptibility 1. Identifiers: Orphanet 423, MedGen C2930980, MONDO:0007783, OMIM 145600.

Submission:

All of Us Research Program, National Institutes of Health
Classification: Likely benign for Malignant hyperthermia, susceptibility to, 1. Last evaluated: 2024-08-13. Review status: criteria provided, single submitter. Criteria: ACMG Guidelines, 2015. Collection method: clinical testing. Allele origin: germline. Inheritance: Autosomal dominant inheritance. Observed: 2 variant alleles, 2 heterozygotes.
Comment: This study involves interpretation of variants in research participants for the purpose of population health screening. Participant phenotype was not available at the time of variant classification. Additional details can be found in publication PMID: 35346344, PMCID: PMC8962531

NM_000540.3(RYR1):c.10524A>C (p.Ser3508=)

Gene: RYR1 (ryanodine receptor 1; plus strand). Cytogenetic location: 19q13.2.
Variant type: single nucleotide variant.
Coding change: c.10524A>C on transcript NM_000540.3 (MANE Select); coding-DNA position 10524, A replaced by C.
Protein change: p.Ser3508=; no amino-acid change (serine 3508 retained).
Molecular consequence: synonymous variant.
Genome position (GRCh38, 1-based): chr19:38,525,400, A>C. VCF-style: chr19-38525400-A-C. GRCh37 (hg19) VCF-style: chr19-39016040-A-C.
Other names: c.10509A>C, p.Ser3503= (NM_001042723.2).
Identifiers: ClinVar variation 3069351 (VCV003069351.2), dbSNP rs2514477180, ClinGen allele CA507236424.